The following is an entry in ClinVar:

ClinVar aggregate classification (germline): Uncertain significance. Review status: criteria provided, multiple submitters, no conflicts (2 of 4 stars). 2 submissions from 2 submitters: Uncertain significance (2). Last evaluated 2024-04-20.

Conditions:
Inborn genetic diseases. Identifiers: MedGen C0950123, MeSH D030342.

Allele frequency attached by ClinVar (database versions not stated): ExAC 0.00001; TOPMed 0.00002; gnomAD 0.00003 and 0.00004.
gnomAD v4.1: 7 of 1,613,396 alleles (0.00043%); highest among the groups gnomAD compares: African/African-American, 0.0094%; no homozygotes.

Submissions (2):

Ambry Genetics
Classification: Uncertain significance for Inborn genetic diseases. Last evaluated: 2024-04-20. Review status: criteria provided, single submitter. Criteria: Ambry Variant Classification Scheme 2023. Collection method: clinical testing. Allele origin: germline.

Labcorp Genetics (formerly Invitae), Labcorp
Classification: Uncertain significance. Last evaluated: 2022-10-01. Review status: criteria provided, single submitter. Criteria: Invitae Variant Classification Sherloc (09022015). Collection method: clinical testing. Allele origin: germline.
Comment: In summary, the available evidence is currently insufficient to determine the role of this variant in disease. Therefore, it has been classified as a Variant of Uncertain Significance. Advanced modeling of protein sequence and biophysical properties (such as structural, functional, and spatial information, amino acid conservation, physicochemical variation, residue mobility, and thermodynamic stability) performed at Invitae indicates that this missense variant is not expected to disrupt PDE6B protein function. ClinVar contains an entry for this variant (Variation ID: 1419795). This variant has not been reported in the literature in individuals affected with PDE6B-related conditions. This variant is present in population databases (rs746510596, gnomAD 0.02%). This sequence change replaces cysteine, which is neutral and slightly polar, with glycine, which is neutral and non-polar, at codon 511 of the PDE6B protein (p.Cys511Gly).

NM_000283.4(PDE6B):c.1531T>G (p.Cys511Gly)

Gene: PDE6B (phosphodiesterase 6B; plus strand). Cytogenetic location: 4p16.3.
Variant type: single nucleotide variant.
Coding change: c.1531T>G on transcript NM_000283.4 (MANE Select); coding-DNA position 1531, T replaced by G.
Protein change: p.Cys511Gly; replaces cysteine 511 with glycine.
Molecular consequence: missense variant.
Genome position (GRCh38, 1-based): chr4:660,530, T>G. VCF-style: chr4-660530-T-G. GRCh37 (hg19) VCF-style: chr4-654319-T-G.
Other names: c.1531T>G, p.Cys511Gly (NM_001145291.2); c.694T>G, p.Cys232Gly (NM_001145292.2, NM_001350154.3, NM_001379246.1 and 1 more transcripts); c.376T>G, p.Cys126Gly (NM_001350155.3); c.1531T>G (NM_000283.3); short protein forms C232G, C126G, C511G.
Identifiers: ClinVar variation 1419795 (VCV001419795.9), dbSNP rs746510596, ClinGen allele CA2794568.
Genomic context (GRCh38, chr4:660,530, plus strand): 5'-GAGGAGCTGCCAGGGCCCACCACATTTGACATCTACGAATTCCACTTCTCTGACCTGGAG[T>G]GCACCGAACTGGACCTGGTCAAATGTGGCATCCAGATGTACTACGAGCTGGGCGTGGTCC-3'
Protein context (NP_000274.3, residues 501-521): IYEFHFSDLE[Cys511Gly]TELDLVKCGI